The following is an entry in ClinVar:

ClinVar aggregate classification (germline): Benign/Likely benign. Review status: criteria provided, multiple submitters, no conflicts (2 of 4 stars). 3 submissions from 3 submitters: Benign (1); Likely benign (2). Last evaluated 2024-06-28.

Conditions:
Hereditary cancer-predisposing syndrome. Also called: Hereditary neoplastic syndrome; Tumor predisposition; Neoplastic Syndromes, Hereditary; Hereditary Cancer Syndrome. Identifiers: Orphanet 140162, MedGen C0027672, MeSH D009386, MONDO:0015356.
Familial cancer of breast. Also called: Hereditary breast cancer; hereditary breast carcinoma; BREAST CANCER, FAMILIAL. Identifiers: Orphanet 227535, MedGen C0346153, MONDO:0016419, OMIM 114480. Disease mechanism: loss of function.
Ataxia-telangiectasia syndrome (AT). Also called: Ataxia-telangiectasia, complementation group D; Ataxia telangiectasia (A-T); LOUIS-BAR SYNDROME; AT, COMPLEMENTATION GROUP C; Ataxia-telangiectasia; ATAXIA-TELANGIECTASIA, COMPLEMENTATION GROUP A. Identifiers: Orphanet 100, MedGen C0004135, MONDO:0008840, OMIM 208900.

Submissions (3):

Labcorp Genetics (formerly Invitae), Labcorp
Classification: Likely benign for Ataxia-telangiectasia syndrome. Last evaluated: 2024-06-28. Review status: criteria provided, single submitter. Criteria: Invitae Variant Classification Sherloc (09022015). Collection method: clinical testing. Allele origin: germline.

Myriad Genetics, Inc.
Classification: Benign for Familial cancer of breast. Last evaluated: 2024-05-08. Review status: criteria provided, single submitter. Criteria: Myriad Autosomal Dominant, Autosomal Recessive and X-Linked Classification Criteria (2023). Collection method: clinical testing. Allele origin: unknown.
Comment: This variant is considered benign. This variant is a silent/synonymous amino acid change and it is not expected to impact splicing.

Ambry Genetics
Classification: Likely benign for Hereditary cancer-predisposing syndrome. Last evaluated: 2024-04-01. Review status: criteria provided, single submitter. Criteria: Ambry Variant Classification Scheme 2023. Collection method: clinical testing. Allele origin: germline.

NM_000051.4(ATM):c.2431C>T (p.Leu811=)

Gene: ATM (ATM serine/threonine kinase; plus strand). Cytogenetic location: 11q22.3.
Variant type: single nucleotide variant.
Coding change: c.2431C>T on transcript NM_000051.4 (MANE Select); coding-DNA position 2431, C replaced by T.
Protein change: p.Leu811=; no amino-acid change (leucine 811 retained).
Molecular consequence: synonymous variant.
Genome position (GRCh38, 1-based): chr11:108,259,040, C>T. VCF-style: chr11-108259040-C-T. GRCh37 (hg19) VCF-style: chr11-108129767-C-T.
Other names: c.2431C>T, p.Leu811= (NM_001351834.2); c.2431C>T (NM_000051.3).
Identifiers: ClinVar variation 1109222 (VCV001109222.11), dbSNP rs2135421739, ClinGen allele CA476672910.